The following is an entry in ClinVar:

ClinVar aggregate classification (germline): Uncertain significance (1 of 4 stars; one submission).

Submission:

Labcorp Genetics (formerly Invitae), Labcorp
Classification: Uncertain significance. Last evaluated: 2025-08-31. Review status: criteria provided, single submitter. Criteria: Invitae Variant Classification Sherloc (09022015). Collection method: clinical testing. Allele origin: germline.
Comment: This sequence change creates a premature translational stop signal (p.Cys425Serfs*42) in the SLC7A14 gene. It is expected to result in an absent or disrupted protein product. However, the current clinical and genetic evidence is not sufficient to establish whether loss-of-function variants in SLC7A14 cause disease. This variant is present in population databases (no rsID available, gnomAD no frequency). This variant has not been reported in the literature in individuals affected with SLC7A14-related conditions. In summary, the available evidence is currently insufficient to determine the role of this variant in disease. Therefore, it has been classified as a Variant of Uncertain Significance.

NM_020949.3(SLC7A14):c.1272_1275del (p.Cys425fs)

Genes: SLC7A14 (solute carrier family 7 member 14; minus strand), SLC7A14-AS1 (SLC7A14 antisense RNA 1; plus strand). Cytogenetic location: 3q26.2.
Variant type: Microsatellite.
Coding change: c.1272_1275del on transcript NM_020949.3 (MANE Select); coding-DNA positions 1272 to 1275, 4 bases deleted (CTGT; older notation c.1272_1275delCTGT).
Protein change: p.Cys425fs; shifts the reading frame from cysteine 425.
Molecular consequence: frameshift variant.
Genome position (GRCh38, 1-based): chr3:170,481,007-170,481,010, ACAG deleted on the plus strand (CTGT on the coding strand, the reverse complement: SLC7A14 is on the minus strand); deleting any 4 consecutive bases within chr3:170,481,007-170,481,015 gives the same sequence; the c. name uses the placement nearest the transcript's 3' end. VCF-style (leftmost placement, unchanged base first): chr3-170481006-CACAG-C. GRCh37 (hg19) VCF-style: chr3-170198795-CACAG-C.
Other names: short protein forms C425fs.
Identifiers: ClinVar variation 1010729 (VCV001010729.6), dbSNP rs1560251652, ClinGen allele CA548333378.